The following is an entry in ClinVar:

NM_000135.4(FANCA):c.4335C>G (p.Asp1445Glu)

Genes: FANCA (FA complementation group A; minus strand), ZNF276 (zinc finger protein 276; plus strand). Cytogenetic location: 16q24.3.
Variant type: single nucleotide variant.
Coding change: c.4335C>G on transcript NM_000135.4 (MANE Select); coding-DNA position 4335, C replaced by G.
Protein change: p.Asp1445Glu; replaces aspartic acid 1445 with glutamic acid.
Molecular consequence: missense variant. On other transcripts: 3 prime UTR variant (3), non-coding transcript variant (4).
Genome position (GRCh38, 1-based): chr16:89,738,634, G>C on the plus strand (C>G on the coding strand, the complement: FANCA is on the minus strand). VCF-style: chr16-89738634-G-C. GRCh37 (hg19) VCF-style: chr16-89805042-G-C.
Other names: c.*64C>G (NM_001286167.3); c.*388G>C (NM_001113525.2, NM_152287.4); short protein forms D1445E.
Identifiers: ClinVar variation 1905924 (VCV001905924.4), dbSNP rs374830555, ClinGen allele CA8250568.
Genomic context (GRCh38, chr16:89,738,634, plus strand): 5'-TGGGCTGGTGTGCAGTGGCAGGTCCCGTCAGAAGAGATGAGGCTCCTGGGACAGGTCAGC[G>C]TCAGGGGCAGCCTGCTGTCTGCTCTGGAGGGCGGCGCTCACCTCTGGGTCGCAGTCCCCA-3'
Protein context (NP_000126.2, residues 1435-1455): ALQSRQQAAP[Asp1445Glu]ADLSQEPHLF

ClinVar aggregate classification (germline): Uncertain significance. Review status: criteria provided, multiple submitters, no conflicts (2 of 4 stars). 2 submissions from 2 submitters: Uncertain significance (2). Last evaluated 2025-06-07.

Conditions:
Inborn genetic diseases. Identifiers: MedGen C0950123, MeSH D030342.
Fanconi anemia (FA). Also called: Fanconi's anemia. Identifiers: Orphanet 84, MedGen C0015625, MeSH D005199, MONDO:0019391.

gnomAD v4.1: 10 of 1,613,552 alleles (0.00062%); highest among the groups gnomAD compares: East Asian, 0.02%; no homozygotes.

Submissions (2):

Ambry Genetics
Classification: Uncertain significance for Inborn genetic diseases. Last evaluated: 2025-06-07. Review status: criteria provided, single submitter. Criteria: Ambry Variant Classification Scheme 2023. Collection method: clinical testing. Allele origin: germline.
Comment: The p.D1445E variant (also known as c.4335C>G), located in coding exon 43 of the FANCA gene, results from a C to G substitution at nucleotide position 4335. The aspartic acid at codon 1445 is replaced by glutamic acid, an amino acid with highly similar properties. This amino acid position is conserved. In addition, this alteration is predicted to be tolerated by in silico analysis. Based on the available evidence, the clinical significance of this variant remains unclear.

Labcorp Genetics (formerly Invitae), Labcorp
Classification: Uncertain significance for Fanconi anemia. Last evaluated: 2021-09-17. Review status: criteria provided, single submitter. Criteria: Invitae Variant Classification Sherloc (09022015). Collection method: clinical testing. Allele origin: germline.
Comment: This sequence change replaces aspartic acid with glutamic acid at codon 1445 of the FANCA protein (p.Asp1445Glu). The aspartic acid residue is moderately conserved and there is a small physicochemical difference between aspartic acid and glutamic acid. This variant is present in population databases (rs374830555, ExAC 0.01%). This variant has not been reported in the literature in individuals with FANCA-related conditions. Advanced modeling of protein sequence and biophysical properties (such as structural, functional, and spatial information, amino acid conservation, physicochemical variation, residue mobility, and thermodynamic stability) performed at Invitae indicates that this missense variant is not expected to disrupt FANCA protein function. In summary, the available evidence is currently insufficient to determine the role of this variant in disease. Therefore, it has been classified as a Variant of Uncertain Significance.